The following is an entry in ClinVar:

ClinVar aggregate classification (germline): Benign/Likely benign. Review status: criteria provided, multiple submitters, no conflicts (2 of 4 stars). 3 submissions from 3 submitters: Benign (2); Likely benign (1). Last evaluated 2026-03-01.

Allele frequency attached by ClinVar (database versions not stated): 1000 Genomes Project 30x 0.00047; 1000 Genomes Project 0.00060; TOPMed 0.00163; gnomAD 0.00169 and 0.00171; gnomAD exomes 0.00206 and 0.00226; ExAC 0.00214; ESP Exome Variant Server 0.00224.
gnomAD v4.1: 3,567 of 1,614,032 alleles (0.22%); highest among the groups gnomAD compares: Middle Eastern, 1.1%; 8 homozygotes.

Submissions (3):

CeGaT Center for Human Genetics Tuebingen
Classification: Likely benign. Last evaluated: 2026-03-01. Review status: criteria provided, single submitter. Criteria: CeGaT Center For Human Genetics Tuebingen Variant Classification Criteria Version 2. Collection method: clinical testing. Allele origin: germline. Affected: yes. Observed: 2 variant alleles.
Comment: CLCA4: BP4, BP7

Labcorp Genetics (formerly Invitae), Labcorp
Classification: Benign. Last evaluated: 2017-12-05. Review status: criteria provided, single submitter. Criteria: Invitae Variant Classification Sherloc (09022015). Collection method: clinical testing. Allele origin: germline.

Breakthrough Genomics
Classification: Benign. Review status: criteria provided, single submitter. Criteria: ACMG Guidelines, 2015. Collection method: not provided. Allele origin: germline. Inheritance: Unknown mechanism. Affected: yes.

NM_012128.4(CLCA4):c.339A>G (p.Arg113=)

Gene: CLCA4 (chloride channel accessory 4; plus strand). Cytogenetic location: 1p22.3.
Variant type: single nucleotide variant.
Coding change: c.339A>G on transcript NM_012128.4 (MANE Select); coding-DNA position 339, A replaced by G.
Protein change: p.Arg113=; no amino-acid change (arginine 113 retained).
Molecular consequence: synonymous variant. On other transcripts: non-coding transcript variant (1).
Genome position (GRCh38, 1-based): chr1:86,560,249, A>G. VCF-style: chr1-86560249-A-G. GRCh37 (hg19) VCF-style: chr1-87025932-A-G.
Identifiers: ClinVar variation 773148 (VCV000773148.26), dbSNP rs2231583, ClinGen allele CA935257.